The following is an entry in ClinVar:

ClinVar aggregate classification (germline): Uncertain significance (1 of 4 stars; one submission).

Allele frequency attached by ClinVar (database versions not stated): gnomAD exomes below 0.00001; TOPMed 0.00001.
gnomAD v4.1: 1 of 1,611,548 alleles (0.000062%); highest among the groups gnomAD compares: African/African-American, 0.0013%; no homozygotes.

Submission:

Labcorp Genetics (formerly Invitae), Labcorp
Classification: Uncertain significance. Last evaluated: 2022-08-21. Review status: criteria provided, single submitter. Criteria: Invitae Variant Classification Sherloc (09022015). Collection method: clinical testing. Allele origin: germline.
Comment: In summary, the available evidence is currently insufficient to determine the role of this variant in disease. Therefore, it has been classified as a Variant of Uncertain Significance. Algorithms developed to predict the effect of missense changes on protein structure and function are either unavailable or do not agree on the potential impact of this missense change (SIFT: "Not Available"; PolyPhen-2: "Benign"; Align-GVGD: "Not Available"). This variant has not been reported in the literature in individuals affected with HYOU1-related conditions. This variant is present in population databases (no rsID available, gnomAD 0.007%). This sequence change replaces proline, which is neutral and non-polar, with serine, which is neutral and polar, at codon 168 of the HYOU1 protein (p.Pro168Ser).

NM_006389.5(HYOU1):c.502C>T (p.Pro168Ser)

Gene: HYOU1 (hypoxia up-regulated 1; minus strand). Cytogenetic location: 11q23.3.
Variant type: single nucleotide variant.
Coding change: c.502C>T on transcript NM_006389.5 (MANE Select); coding-DNA position 502, C replaced by T.
Protein change: p.Pro168Ser; replaces proline 168 with serine.
Molecular consequence: missense variant.
Genome position (GRCh38, 1-based): chr11:119,054,670, G>A on the plus strand (C>T on the coding strand, the complement: HYOU1 is on the minus strand). VCF-style: chr11-119054670-G-A. GRCh37 (hg19) VCF-style: chr11-118925382-G-A.
Other names: c.502C>T, p.Pro168Ser (NM_001130991.3, NM_001411041.1); short protein forms P168S.
Identifiers: ClinVar variation 2107751 (VCV002107751.4), dbSNP rs1191508283, ClinGen allele CA382949500.